The following is an entry in ClinVar:

NM_080669.6(SLC46A1):c.414G>A (p.Gln138=)

Gene: SLC46A1 (solute carrier family 46 member 1; minus strand). Cytogenetic location: 17q11.2.
Variant type: single nucleotide variant.
Coding change: c.414G>A on transcript NM_080669.6 (MANE Select); coding-DNA position 414, G replaced by A.
Protein change: p.Gln138=; no amino-acid change (glutamine 138 retained).
Molecular consequence: synonymous variant.
Genome position (GRCh38, 1-based): chr17:28,405,283, C>T on the plus strand (G>A on the coding strand, the complement: SLC46A1 is on the minus strand). VCF-style: chr17-28405283-C-T. GRCh37 (hg19) VCF-style: chr17-26732301-C-T.
Other names: c.414G>A, p.Gln138= (NM_001242366.3).
Identifiers: ClinVar variation 712208 (VCV000712208.10), dbSNP rs376191377, ClinGen allele CA8458334.

ClinVar aggregate classification (germline): Likely benign. Review status: criteria provided, single submitter (1 of 4 stars). 2 submissions from 2 submitters: Likely benign (1). 1 of the submissions does not count toward it. Last evaluated 2026-01-19.

Conditions:
SLC46A1-related disorder. Also called: SLC46A1-related condition.

Allele frequency attached by ClinVar (database versions not stated): gnomAD 0.00061 and 0.00060; TOPMed 0.00066; 1000 Genomes Project 30x 0.00109; 1000 Genomes Project 0.00120; gnomAD exomes 0.00017; ExAC 0.00028; ESP Exome Variant Server 0.00047.
gnomAD v4.1: 174 of 1,587,492 alleles (0.011%); highest among the groups gnomAD compares: African/African-American, 0.21%; no homozygotes.

Submissions (2):

Labcorp Genetics (formerly Invitae), Labcorp
Classification: Likely benign. Last evaluated: 2026-01-19. Review status: criteria provided, single submitter. Criteria: Invitae Variant Classification Sherloc (09022015). Collection method: clinical testing. Allele origin: germline.

PreventionGenetics, part of Exact Sciences
Classification: Likely benign for SLC46A1-related condition. Last evaluated: 2024-03-12. Review status: no assertion criteria provided. Collection method: clinical testing. Allele origin: germline. Not counted in ClinVar's aggregate classification.
Comment: This variant is classified as likely benign based on ACMG/AMP sequence variant interpretation guidelines (Richards et al. 2015 PMID: 25741868, with internal and published modifications).